The following is an entry in ClinVar:

NM_005026.5(PIK3CD):c.94C>G (p.Leu32Val)

Gene: PIK3CD (phosphatidylinositol-4,5-bisphosphate 3-kinase catalytic subunit delta; plus strand). Cytogenetic location: 1p36.22.
Variant type: single nucleotide variant.
Coding change: c.94C>G on transcript NM_005026.5 (MANE Select); coding-DNA position 94, C replaced by G.
Protein change: p.Leu32Val; replaces leucine 32 with valine.
Molecular consequence: missense variant.
Genome position (GRCh38, 1-based): chr1:9,710,549, C>G. VCF-style: chr1-9710549-C-G. GRCh37 (hg19) VCF-style: chr1-9770607-C-G.
Other names: c.94C>G, p.Leu32Val (NM_001350234.2, NM_001350235.1); short protein forms L32V.
Identifiers: ClinVar variation 3696667 (VCV003696667.2).

ClinVar aggregate classification (germline): Uncertain significance (1 of 4 stars; one submission).

Conditions:
Immunodeficiency 14 (IMD14A). Also called: IMMUNODEFICIENCY 14A WITH LYMPHOPROLIFERATION, AUTOSOMAL DOMINANT; p110-DELTA-ACTIVATING MUTATION CAUSING SENESCENT T CELLS, LYMPHADENOPATHY, AND IMMUNODEFICIENCY; ACTIVATED PI3K-DELTA SYNDROME 1; Activated PI3K Delta Syndrome Type 1 (APDS1). Identifiers: Orphanet 397596, Orphanet 693661, MedGen C5907821, MONDO:0014222, OMIM 615513.

gnomAD v4.1: 1 of 1,613,916 alleles (0.000062%); highest among the groups gnomAD compares: African/African-American, 0.0013%; no homozygotes.

Submission:

Labcorp Genetics (formerly Invitae), Labcorp
Classification: Uncertain significance for Activated PI3K-delta syndrome. Last evaluated: 2025-01-07. Review status: criteria provided, single submitter. Criteria: Invitae Variant Classification Sherloc (09022015). Collection method: clinical testing. Allele origin: germline.
Comment: This sequence change replaces leucine, which is neutral and non-polar, with valine, which is neutral and non-polar, at codon 32 of the PIK3CD protein (p.Leu32Val). This variant is not present in population databases (gnomAD no frequency). This variant has not been reported in the literature in individuals affected with PIK3CD-related conditions. Invitae Evidence Modeling of protein sequence and biophysical properties (such as structural, functional, and spatial information, amino acid conservation, physicochemical variation, residue mobility, and thermodynamic stability) indicates that this missense variant is not expected to disrupt PIK3CD protein function with a negative predictive value of 80%. In summary, the available evidence is currently insufficient to determine the role of this variant in disease. Therefore, it has been classified as a Variant of Uncertain Significance.